The following is an entry in ClinVar:

ClinVar aggregate classification (germline): Uncertain significance (1 of 4 stars; one submission).

Conditions:
Hereditary cancer-predisposing syndrome. Also called: Tumor predisposition; Hereditary neoplastic syndrome; Neoplastic Syndromes, Hereditary; Hereditary Cancer Syndrome. Identifiers: Orphanet 140162, MedGen C0027672, MeSH D009386, MONDO:0015356.

Submission:

Ambry Genetics
Classification: Uncertain significance for Hereditary cancer-predisposing syndrome. Last evaluated: 2025-03-22. Review status: criteria provided, single submitter. Criteria: Ambry Variant Classification Scheme 2023. Collection method: clinical testing. Allele origin: germline.
Comment: The p.H477R variant (also known as c.1430A>G), located in coding exon 16 of the CDC73 gene, results from an A to G substitution at nucleotide position 1430. The histidine at codon 477 is replaced by arginine, an amino acid with highly similar properties. This amino acid position is conserved. In addition, this alteration is predicted to be deleterious by in silico analysis. Based on the available evidence, the clinical significance of this variant remains unclear.

NM_024529.5(CDC73):c.1430A>G (p.His477Arg)

Gene: CDC73 (cell division cycle 73; plus strand). Cytogenetic location: 1q31.2.
Variant type: single nucleotide variant.
Coding change: c.1430A>G on transcript NM_024529.5 (MANE Select); coding-DNA position 1430, A replaced by G.
Protein change: p.His477Arg; replaces histidine 477 with arginine.
Molecular consequence: missense variant.
Genome position (GRCh38, 1-based): chr1:193,249,742, A>G. VCF-style: chr1-193249742-A-G. GRCh37 (hg19) VCF-style: chr1-193218872-A-G.
Other names: short protein forms H477R.
Identifiers: ClinVar variation 3998667 (VCV003998667.1).